The following is an entry in ClinVar:

NM_024548.4(CEP97):c.490G>A (p.Ala164Thr)

Gene: CEP97 (centrosomal protein 97; plus strand). Cytogenetic location: 3q12.3.
Variant type: single nucleotide variant.
Coding change: c.490G>A on transcript NM_024548.4 (MANE Select); coding-DNA position 490, G replaced by A.
Protein change: p.Ala164Thr; replaces alanine 164 with threonine.
Molecular consequence: missense variant.
Genome position (GRCh38, 1-based): chr3:101,731,882, G>A. VCF-style: chr3-101731882-G-A. GRCh37 (hg19) VCF-style: chr3-101450726-G-A.
Other names: c.490G>A, p.Ala164Thr (NM_001303401.2); c.388G>A, p.Ala130Thr (NM_001410784.1, NM_001410785.1); short protein forms A164T, A130T.
Identifiers: ClinVar variation 3832130 (VCV003832130.2).

ClinVar aggregate classification (germline): Uncertain significance. Review status: criteria provided, multiple submitters, no conflicts (2 of 4 stars). 2 submissions from 2 submitters: Uncertain significance (2). Last evaluated 2025-12-21.

gnomAD v4.1: 1 of 1,611,158 alleles (0.000062%); highest among the groups gnomAD compares: Admixed American, 0.0017%; no homozygotes.

Submissions (2):

Labcorp Genetics (formerly Invitae), Labcorp
Classification: Uncertain significance. Last evaluated: 2025-12-21. Review status: criteria provided, single submitter. Criteria: Invitae Variant Classification Sherloc (09022015). Collection method: clinical testing. Allele origin: germline.
Comment: This sequence change replaces alanine, which is neutral and non-polar, with threonine, which is neutral and polar, at codon 164 of the CEP97 protein (p.Ala164Thr). This variant is not present in population databases (gnomAD no frequency). This variant has not been reported in the literature in individuals affected with CEP97-related conditions. ClinVar contains an entry for this variant (Variation ID: 3832130). Invitae Evidence Modeling of protein sequence and biophysical properties (such as structural, functional, and spatial information, amino acid conservation, physicochemical variation, residue mobility, and thermodynamic stability) indicates that this missense variant is expected to disrupt CEP97 protein function with a positive predictive value of 80%. In summary, the available evidence is currently insufficient to determine the role of this variant in disease. Therefore, it has been classified as a Variant of Uncertain Significance.

Ambry Genetics
Classification: Uncertain significance. Last evaluated: 2025-02-08. Review status: criteria provided, single submitter. Criteria: Ambry Variant Classification Scheme 2023. Collection method: clinical testing. Allele origin: germline.